The following is an entry in ClinVar:

NM_005228.5(EGFR):c.2062-4C>T

Gene: EGFR (epidermal growth factor receptor; plus strand). Cytogenetic location: 7p11.2.
Variant type: single nucleotide variant.
Coding change: c.2062-4C>T on transcript NM_005228.5 (MANE Select); 4 bases into the intron before coding-DNA position 2062, C replaced by T.
Molecular consequence: intron variant.
Genome position (GRCh38, 1-based): chr7:55,173,917, C>T. VCF-style: chr7-55173917-C-T. GRCh37 (hg19) VCF-style: chr7-55241610-C-T.
Other names: c.2062-4C>T (NM_005228.3, NM_001346898.2); c.1927-4C>T (NM_001346899.2, NM_001346897.2); c.1261-4C>T (NM_001346941.2); c.1903-4C>T (NM_001346900.2).
Identifiers: ClinVar variation 3773401 (VCV003773401.2).

ClinVar aggregate classification (germline): Likely benign. Review status: criteria provided, multiple submitters, no conflicts (2 of 4 stars). 2 submissions from 2 submitters: Likely benign (2). Last evaluated 2026-06-02.

Conditions:
Hereditary cancer-predisposing syndrome. Also called: Hereditary Cancer Syndrome; Hereditary neoplastic syndrome; Neoplastic Syndromes, Hereditary; Tumor predisposition. Identifiers: Orphanet 140162, MedGen C0027672, MeSH D009386, MONDO:0015356.
Lung cancer. Also called: Lung cancer, somatic; Malignant tumor of lung. Identifiers: MedGen C0242379, MONDO:0008903, OMIM 211980.

gnomAD v4.1: 6 of 1,614,242 alleles (0.00037%); no homozygotes.

Submissions (2):

Ambry Genetics
Classification: Likely benign for Hereditary cancer-predisposing syndrome. Last evaluated: 2026-06-02. Review status: criteria provided, single submitter. Criteria: Ambry Variant Classification Scheme 2023. Collection method: clinical testing. Allele origin: germline.

Myriad Genetics, Inc.
Classification: Likely benign for Lung cancer. Last evaluated: 2024-10-16. Review status: criteria provided, single submitter. Criteria: Myriad Autosomal Dominant, Autosomal Recessive and X-Linked Classification Criteria (2023). Collection method: clinical testing. Allele origin: unknown.
Comment: This variant is considered likely benign. This variant is intronic and is not expected to impact mRNA splicing.